The following is an entry in ClinVar:

ClinVar aggregate classification (germline): Benign. Review status: criteria provided, multiple submitters, no conflicts (2 of 4 stars). 4 submissions from 4 submitters: Benign (3). 1 of the submissions does not count toward it. Last evaluated 2026-02-04.

Conditions:
MMP14-related disorder. Also called: MMP14-related condition.

Allele frequency attached by ClinVar (database versions not stated): ExAC 0.12434; 1000 Genomes Project 0.16274; 1000 Genomes Project 30x 0.16443; TOPMed 0.16957; ESP Exome Variant Server 0.16992.
gnomAD v4.1: 183,158 of 1,613,690 alleles (11%); highest among the groups gnomAD compares: African/African-American, 29%; 11,861 homozygotes.

Submissions (4):

Labcorp Genetics (formerly Invitae), Labcorp
Classification: Benign. Last evaluated: 2026-02-04. Review status: criteria provided, single submitter. Criteria: Invitae Variant Classification Sherloc (09022015). Collection method: clinical testing. Allele origin: germline.

GeneDx
Classification: Benign. Last evaluated: 2021-05-04. Review status: criteria provided, single submitter. Criteria: GeneDx Variant Classification Process June 2021. Collection method: clinical testing. Allele origin: germline. Affected: yes.

Breakthrough Genomics
Classification: Benign. Review status: criteria provided, single submitter. Criteria: ACMG Guidelines, 2015. Collection method: not provided. Allele origin: germline. Inheritance: Unknown mechanism. Affected: yes.

PreventionGenetics, part of Exact Sciences
Classification: Benign for MMP14-related condition. Last evaluated: 2019-11-16. Review status: no assertion criteria provided. Collection method: clinical testing. Allele origin: germline. Not counted in ClinVar's aggregate classification.
Comment: This variant is classified as benign based on ACMG/AMP sequence variant interpretation guidelines (Richards et al. 2015 PMID: 25741868, with internal and published modifications).

NM_004995.4(MMP14):c.777C>G (p.Pro259=)

Gene: MMP14 (matrix metallopeptidase 14; plus strand). Cytogenetic location: 14q11.2.
Variant type: single nucleotide variant.
Coding change: c.777C>G on transcript NM_004995.4 (MANE Select); coding-DNA position 777, C replaced by G.
Protein change: p.Pro259=; no amino-acid change (proline 259 retained).
Molecular consequence: synonymous variant.
Genome position (GRCh38, 1-based): chr14:22,843,345, C>G. VCF-style: chr14-22843345-C-G. GRCh37 (hg19) VCF-style: chr14-23312554-C-G.
Identifiers: ClinVar variation 1232955 (VCV001232955.14), dbSNP rs2236302, ClinGen allele CA7105247.